The following is an entry in ClinVar:

ClinVar aggregate classification (germline): Uncertain significance (1 of 4 stars; one submission).

Conditions:
Alstrom syndrome (ALMS). Identifiers: Orphanet 64, MedGen C0268425, MONDO:0008763, OMIM 203800.

Submission:

Labcorp Genetics (formerly Invitae), Labcorp
Classification: Uncertain significance for Alstrom syndrome. Last evaluated: 2025-06-18. Review status: criteria provided, single submitter. Criteria: Invitae Variant Classification Sherloc (09022015). Collection method: clinical testing. Allele origin: germline.
Comment: This sequence change replaces glutamine, which is neutral and polar, with glutamic acid, which is acidic and polar, at codon 1543 of the ALMS1 protein (p.Gln1543Glu). This variant is not present in population databases (gnomAD no frequency). This variant has not been reported in the literature in individuals affected with ALMS1-related conditions. ClinVar contains an entry for this variant (Variation ID: 1347524). Experimental studies and prediction algorithms are not available or were not evaluated, and the functional significance of this variant is currently unknown. In summary, the available evidence is currently insufficient to determine the role of this variant in disease. Therefore, it has been classified as a Variant of Uncertain Significance.

NM_001378454.1(ALMS1):c.4624C>G (p.Gln1542Glu)

Gene: ALMS1 (ALMS1 centrosome and basal body associated protein; plus strand). Cytogenetic location: 2p13.1.
Variant type: single nucleotide variant.
Coding change: c.4624C>G on transcript NM_001378454.1 (MANE Select); coding-DNA position 4624, C replaced by G.
Protein change: p.Gln1542Glu; replaces glutamine 1542 with glutamic acid.
Molecular consequence: missense variant.
Genome position (GRCh38, 1-based): chr2:73,451,151, C>G. VCF-style: chr2-73451151-C-G. GRCh37 (hg19) VCF-style: chr2-73678278-C-G.
Other names: c.4627C>G, p.Gln1543Glu (NM_015120.4); short protein forms Q1542E, Q1543E.
Identifiers: ClinVar variation 1347524 (VCV001347524.6), dbSNP rs1671928724, ClinGen allele CA347278926.